The following is an entry in ClinVar:

NM_004320.6(ATP2A1):c.929-38_929-14del

Gene: ATP2A1 (ATPase sarcoplasmic/endoplasmic reticulum Ca2+ transporting 1; plus strand). Cytogenetic location: 16p11.2.
Variant type: Microsatellite.
Coding change: c.929-38_929-14del on transcript NM_004320.6 (MANE Select); 38 bases into the intron before coding-DNA position 929 through 14 bases into the intron before coding-DNA position 929, 25 bases deleted (CTTGCAGGTTCCCTCACACCCTCCC).
Molecular consequence: intron variant.
Genome position (GRCh38, 1-based): chr16:28,888,749-28,888,773, CTTGCAGGTTCCCTCACACCCTCCC deleted; deleting any 25 consecutive bases within chr16:28,888,721-28,888,773 gives the same sequence; the c. name uses the placement nearest the transcript's 3' end. VCF-style (leftmost placement, unchanged base first): chr16-28888720-GCCCCTTGCAGGTTCCCTCACACCCT-G. GRCh37 (hg19) VCF-style: chr16-28900041-GCCCCTTGCAGGTTCCCTCACACCCT-G.
Other names: c.929-38_929-14del (NM_173201.5); c.554-38_554-14del (NM_001286075.2).
Identifiers: ClinVar variation 668274 (VCV000668274.1), dbSNP rs1025209209, ClinGen allele CA279232984.

ClinVar aggregate classification (germline): Likely benign (1 of 4 stars; one submission).

Submission:

GeneDx
Classification: Likely benign. Last evaluated: 2018-05-14. Review status: criteria provided, single submitter. Criteria: GeneDx Variant Classification (06012015). Collection method: clinical testing. Allele origin: germline. Affected: yes.
Comment: This variant is considered likely benign or benign based on one or more of the following criteria: it is a conservative change, it occurs at a poorly conserved position in the protein, it is predicted to be benign by multiple in silico algorithms, and/or has population frequency not consistent with disease.